The following is an entry in ClinVar:

ClinVar aggregate classification (germline): Uncertain significance. Review status: criteria provided, multiple submitters, no conflicts (2 of 4 stars). 3 submissions from 3 submitters: Uncertain significance (3). Last evaluated 2024-03-10.

Conditions:
Hereditary cancer-predisposing syndrome. Also called: Hereditary neoplastic syndrome; Tumor predisposition; Hereditary Cancer Syndrome; Neoplastic Syndromes, Hereditary. Identifiers: Orphanet 140162, MedGen C0027672, MeSH D009386, MONDO:0015356.
Blepharocheilodontic syndrome 1 (BCDS1). Identifiers: Orphanet 1997, MedGen C4551988, MONDO:0054740, OMIM 119580.
Familial cancer of breast. Also called: hereditary breast carcinoma; BREAST CANCER, FAMILIAL; Hereditary breast cancer. Identifiers: Orphanet 227535, MedGen C0346153, MONDO:0016419, OMIM 114480. Disease mechanism: loss of function.
Ovarian cancer. Also called: OVARIAN CANCER, SOMATIC. Identifiers: Orphanet 213500, MedGen C1140680, MONDO:0008170, OMIM 167000.
Endometrial carcinoma. Also called: Endometrial carcinoma, somatic. Identifiers: MedGen C0476089, MONDO:0002447, OMIM 608089, HP:0012114.
Hereditary diffuse gastric adenocarcinoma (HDGC). Also called: DIFFUSE GASTRIC AND LOBULAR BREAST CANCER SYNDROME. Identifiers: Orphanet 26106, MedGen C1708349, MONDO:0007648, OMIM 137215.

Allele frequency attached by ClinVar (database versions not stated): gnomAD exomes below 0.00001.
gnomAD v4.1: 1 of 1,614,196 alleles (0.000062%); highest among the groups gnomAD compares: South Asian, 0.0011%; no homozygotes.

Submissions (3):

Labcorp Genetics (formerly Invitae), Labcorp
Classification: Uncertain significance for Hereditary diffuse gastric adenocarcinoma. Last evaluated: 2024-03-10. Review status: criteria provided, single submitter. Criteria: Invitae Variant Classification Sherloc (09022015). Collection method: clinical testing. Allele origin: germline.
Comment: This sequence change replaces aspartic acid, which is acidic and polar, with histidine, which is basic and polar, at codon 860 of the CDH1 protein (p.Asp860His). This variant is not present in population databases (gnomAD no frequency). This variant has not been reported in the literature in individuals affected with CDH1-related conditions. ClinVar contains an entry for this variant (Variation ID: 577623). An algorithm developed to predict the effect of missense changes on protein structure and function (PolyPhen-2) suggests that this variant is likely to be disruptive. In summary, the available evidence is currently insufficient to determine the role of this variant in disease. Therefore, it has been classified as a Variant of Uncertain Significance.

Fulgent Genetics
Classification: Uncertain significance for Familial cancer of breast; Blepharocheilodontic syndrome 1; Hereditary diffuse gastric adenocarcinoma; Ovarian cancer; Endometrial carcinoma. Last evaluated: 2024-01-11. Review status: criteria provided, single submitter. Criteria: ACMG Guidelines, 2015. Collection method: clinical testing. Allele origin: germline.

Ambry Genetics
Classification: Uncertain significance for Hereditary cancer-predisposing syndrome. Last evaluated: 2023-02-27. Review status: criteria provided, single submitter. Criteria: Ambry Variant Classification Scheme 2023. Collection method: clinical testing. Allele origin: germline.
Comment: The p.D860H variant (also known as c.2578G>C), located in coding exon 16 of the CDH1 gene, results from a G to C substitution at nucleotide position 2578. The aspartic acid at codon 860 is replaced by histidine, an amino acid with similar properties. This amino acid position is conserved. In addition, the in silico prediction for this alteration is inconclusive. Since supporting evidence is limited at this time, the clinical significance of this alteration remains unclear.

NM_004360.5(CDH1):c.2578G>C (p.Asp860His)

Gene: CDH1 (cadherin 1; plus strand). Cytogenetic location: 16q22.1.
Variant type: single nucleotide variant.
Coding change: c.2578G>C on transcript NM_004360.5 (MANE Select); coding-DNA position 2578, G replaced by C.
Protein change: p.Asp860His; replaces aspartic acid 860 with histidine.
Molecular consequence: missense variant.
Genome position (GRCh38, 1-based): chr16:68,833,428, G>C. VCF-style: chr16-68833428-G-C. GRCh37 (hg19) VCF-style: chr16-68867331-G-C.
Other names: c.2578G>C (LRG_301t1); c.2395G>C, p.Asp799His (NM_001317184.2); c.1030G>C, p.Asp344His (NM_001317185.2); c.613G>C, p.Asp205His (NM_001317186.2); short protein forms D860H, D205H, D344H, D799H.
Identifiers: ClinVar variation 577623 (VCV000577623.9), dbSNP rs1412506259, ClinGen allele CA396472542.
Genomic context (GRCh38, chr16:68,833,428, plus strand): 5'-TCCGAAGCTGCTAGTCTGAGCTCCCTGAACTCCTCAGAGTCAGACAAAGACCAGGACTAT[G>C]ACTACTTGAACGAATGGGGCAATCGCTTCAAGAAGCTGGCTGACATGTACGGAGGCGGCG-3'
Protein context (NP_004351.1, residues 850-870): SSESDKDQDY[Asp860His]YLNEWGNRFK